The following is an entry in ClinVar:

ClinVar aggregate classification (germline): Likely benign. Review status: criteria provided, multiple submitters, no conflicts (2 of 4 stars). 2 submissions from 2 submitters: Likely benign (2). Last evaluated 2025-04-13.

Conditions:
Melanoma, cutaneous malignant, susceptibility to, 3. Also called: Cutaneous malignant melanoma 3. Identifiers: Orphanet 618, MedGen C1836892, MONDO:0012183, OMIM 609048.
Familial melanoma. Also called: Hereditary melanoma; Hereditary cutaneous melanoma. Identifiers: Orphanet 618, MedGen C1512419, MONDO:0018961.

Allele frequency attached by ClinVar (database versions not stated): gnomAD exomes below 0.00001; gnomAD 0.00001.
gnomAD v4.1: 3 of 1,613,994 alleles (0.00019%); highest among the groups gnomAD compares: African/African-American, 0.004%; no homozygotes.

Submissions (2):

Labcorp Genetics (formerly Invitae), Labcorp
Classification: Likely benign for Familial melanoma. Last evaluated: 2025-04-13. Review status: criteria provided, single submitter. Criteria: Invitae Variant Classification Sherloc (09022015). Collection method: clinical testing. Allele origin: germline.

Myriad Genetics, Inc.
Classification: Likely benign for Melanoma, cutaneous malignant, susceptibility to, 3. Last evaluated: 2024-09-26. Review status: criteria provided, single submitter. Criteria: Myriad Autosomal Dominant, Autosomal Recessive and X-Linked Classification Criteria (2023). Collection method: clinical testing. Allele origin: unknown.
Comment: This variant is considered likely benign. This variant is intronic and is not expected to impact mRNA splicing.

NM_000075.4(CDK4):c.819+8A>T

Genes: CDK4 (cyclin dependent kinase 4; minus strand), TSPAN31 (tetraspanin 31; plus strand). Cytogenetic location: 12q14.1.
Variant type: single nucleotide variant.
Coding change: c.819+8A>T on transcript NM_000075.4 (MANE Select); 8 bases into the intron after coding-DNA position 819, A replaced by T.
Molecular consequence: intron variant. On other transcripts: 3 prime UTR variant (3).
Genome position (GRCh38, 1-based): chr12:57,749,174, T>A on the plus strand (A>T on the coding strand, the complement: CDK4 is on the minus strand). VCF-style: chr12-57749174-T-A. GRCh37 (hg19) VCF-style: chr12-58142957-T-A.
Other names: c.*1884T>A (NM_001330168.2, NM_001330169.2, NM_005981.5).
Identifiers: ClinVar variation 2178522 (VCV002178522.5), dbSNP rs796475642, ClinGen allele CA237841863.